The following is an entry in ClinVar:

ClinVar aggregate classification (germline): Uncertain significance (1 of 4 stars; one submission).

Conditions:
Hereditary pheochromocytoma and paraganglioma. Also called: Hereditary paragangliomas and pheochromocytomas; Hereditary Paraganglioma-Pheochromocytoma Syndromes; Hereditary pheochromocytoma-paraganglioma. Identifiers: Orphanet 29072, MedGen C4274332, MONDO:0017366.

Submission:

Labcorp Genetics (formerly Invitae), Labcorp
Classification: Uncertain significance for Hereditary pheochromocytoma and paraganglioma. Last evaluated: 2020-12-17. Review status: criteria provided, single submitter. Criteria: Invitae Variant Classification Sherloc (09022015). Collection method: clinical testing. Allele origin: germline.
Comment: In summary, the available evidence is currently insufficient to determine the role of this variant in disease. Therefore, it has been classified as a Variant of Uncertain Significance. This variant has not been reported in the literature in individuals with TMEM127-related conditions. This variant is not present in population databases (ExAC no frequency). This sequence change results in a frameshift in the TMEM127 gene (p.Ala235Leufs*72). While this is not anticipated to result in nonsense mediated decay, it is expected to disrupt the last 4 amino acid(s) of the TMEM127 protein and extend the protein by 67 additional amino acid residues.

NM_017849.4(TMEM127):c.702del (p.Ala235fs)

Gene: TMEM127 (transmembrane protein 127; minus strand). Cytogenetic location: 2q11.2.
Variant type: Deletion.
Coding change: c.702del on transcript NM_017849.4 (MANE Select); coding-DNA position 702, one base deleted (T; older notation c.702delT).
Protein change: p.Ala235fs; shifts the reading frame from alanine 235.
Molecular consequence: frameshift variant.
Genome position (GRCh38, 1-based): chr2:96,253,823, A deleted on the plus strand (T on the coding strand, the reverse complement: TMEM127 is on the minus strand). VCF-style (leftmost placement, unchanged base first): chr2-96253822-CA-C. GRCh37 (hg19) VCF-style: chr2-96919560-CA-C.
Other names: c.702del, p.Ala235fs (NM_001193304.3); short protein forms A235fs.
Identifiers: ClinVar variation 1355948 (VCV001355948.6), dbSNP rs2104282584, ClinGen allele CA2573135933.